The following is an entry in ClinVar:

ClinVar aggregate classification (germline): Uncertain significance (1 of 4 stars; one submission).

Conditions:
Cardiovascular phenotype. Identifiers: MedGen CN230736.

Submission:

Ambry Genetics
Classification: Uncertain significance for Cardiovascular phenotype. Last evaluated: 2020-01-03. Review status: criteria provided, single submitter. Criteria: Ambry Variant Classification Scheme 2023. Collection method: clinical testing. Allele origin: germline.
Comment: The p.V957M variant (also known as c.2869G>A), located in coding exon 19 of the FLNC gene, results from a G to A substitution at nucleotide position 2869. The valine at codon 957 is replaced by methionine, an amino acid with highly similar properties. This amino acid position is not well conserved in available vertebrate species. In addition, this alteration is predicted to be tolerated by in silico analysis. Since supporting evidence is limited at this time, the clinical significance of this alteration remains unclear.

NM_001458.5(FLNC):c.2869G>A (p.Val957Met)

Gene: FLNC (filamin C; plus strand). Cytogenetic location: 7q32.1.
Variant type: single nucleotide variant.
Coding change: c.2869G>A on transcript NM_001458.5 (MANE Select); coding-DNA position 2869, G replaced by A.
Protein change: p.Val957Met; replaces valine 957 with methionine.
Molecular consequence: missense variant.
Genome position (GRCh38, 1-based): chr7:128,843,853, G>A. VCF-style: chr7-128843853-G-A. GRCh37 (hg19) VCF-style: chr7-128483907-G-A.
Other names: c.2869G>A, p.Val957Met (NM_001127487.2); short protein forms V957M.
Identifiers: ClinVar variation 1797022 (VCV001797022.2), dbSNP rs2536634791, ClinGen allele CA369193460.